The following is an entry in ClinVar:

NM_012301.4(MAGI2):c.3014G>A (p.Arg1005His)

Gene: MAGI2 (membrane associated guanylate kinase, WW and PDZ domain containing 2; minus strand). Cytogenetic location: 7q21.11.
Variant type: single nucleotide variant.
Coding change: c.3014G>A on transcript NM_012301.4 (MANE Select); coding-DNA position 3014, G replaced by A.
Protein change: p.Arg1005His; replaces arginine 1005 with histidine.
Molecular consequence: missense variant.
Genome position (GRCh38, 1-based): chr7:78,135,038, C>T on the plus strand (G>A on the coding strand, the complement: MAGI2 is on the minus strand). VCF-style: chr7-78135038-C-T. GRCh37 (hg19) VCF-style: chr7-77764355-C-T.
Other names: c.2972G>A, p.Arg991His (NM_001301128.2); c.3014G>A (NM_012301.3); short protein forms R1005H, R991H.
Identifiers: ClinVar variation 1979107 (VCV001979107.5), dbSNP rs751367419, ClinGen allele CA4313629.
Genomic context (GRCh38, chr7:78,135,038, plus strand): 5'-CATGTGTTGGCCGCCTCTCTGCAAGGCTGCCTCAGGCACTCACCCTCCTGAGGAATGATG[C>T]GAAGGGTGACACTAAGACCTGCATCCTTGATGAGCTTCACGATGTCAGCGTGAGGCATGT-3'
Protein context (NP_036433.2, residues 995-1015): IKDAGLSVTL[Arg1005His]IIPQEELNSP

ClinVar aggregate classification (germline): Uncertain significance. Review status: criteria provided, multiple submitters, no conflicts (2 of 4 stars). 2 submissions from 2 submitters: Uncertain significance (2). Last evaluated 2024-12-09.

Allele frequency attached by ClinVar (database versions not stated): ExAC 0.00001; gnomAD exomes 0.00001; gnomAD 0.00002; TOPMed 0.00003.
gnomAD v4.1: 17 of 1,613,834 alleles (0.0011%); highest among the groups gnomAD compares: African/African-American, 0.0027%; no homozygotes.

Submissions (2):

Ambry Genetics
Classification: Uncertain significance. Last evaluated: 2024-12-09. Review status: criteria provided, single submitter. Criteria: Ambry Variant Classification Scheme 2023. Collection method: clinical testing. Allele origin: germline.

Labcorp Genetics (formerly Invitae), Labcorp
Classification: Uncertain significance. Last evaluated: 2022-04-12. Review status: criteria provided, single submitter. Criteria: Invitae Variant Classification Sherloc (09022015). Collection method: clinical testing. Allele origin: germline.
Comment: This variant is present in population databases (rs751367419, gnomAD 0.007%). This variant has not been reported in the literature in individuals affected with MAGI2-related conditions. This sequence change replaces arginine, which is basic and polar, with histidine, which is basic and polar, at codon 1005 of the MAGI2 protein (p.Arg1005His). In summary, the available evidence is currently insufficient to determine the role of this variant in disease. Therefore, it has been classified as a Variant of Uncertain Significance. Algorithms developed to predict the effect of missense changes on protein structure and function are either unavailable or do not agree on the potential impact of this missense change (SIFT: "Deleterious"; PolyPhen-2: "Benign"; Align-GVGD: "Class C25").